The following is an entry in ClinVar:

NC_000016.10:g.(?_89764884)_(89779963_?)del

Genes: FANCA (FA complementation group A; minus strand), LOC130059837 (ATAC-STARR-seq lymphoblastoid active region 11420; plus strand), LOC130059838 (ATAC-STARR-seq lymphoblastoid active region 11421; plus strand). Cytogenetic location: 16q24.3.
Variant type: Deletion.
Identifiers: ClinVar variation 583486 (VCV000583486.1).

ClinVar aggregate classification (germline): Likely pathogenic (1 of 4 stars; one submission).

Conditions:
Fanconi anemia (FA). Also called: Fanconi's anemia. Identifiers: Orphanet 84, MedGen C0015625, MeSH D005199, MONDO:0019391.

Submission:

Labcorp Genetics (formerly Invitae), Labcorp
Classification: Likely pathogenic for Fanconi anemia. Last evaluated: 2018-02-20. Review status: criteria provided, single submitter. Criteria: Invitae Variant Classification Sherloc (09022015). Collection method: clinical testing. Allele origin: germline.
Comment: This variant is an in-frame deletion of the genomic region encompassing exons 18-28 of the FANCA gene. It preserves the integrity of the reading frame. A similar deletion of exons 18-28 has been reported in an individual affected with Fanconi anemia (PMID: 28717661). A missense substitution at this codon (p.Gln869Pro) has been reported in individuals affected with Fanconi anemia and determined to be pathogenic (PMID: 17924555, 15643609). This suggests that the glutamine residue is critical for FANCA protein function and that other deletions encompassing this position may also be pathogenic. In summary, the currently available evidence indicates that the variant is pathogenic, but additional data are needed to prove that conclusively. Therefore, this variant has been classified as Likely Pathogenic.

Literature cited by the submitters: PubMed 15643609; PubMed 17924555; PubMed 28717661.